The following is an entry in ClinVar:

NM_001134831.2(AHI1):c.3109+6630_3109+6641del

Gene: AHI1 (Abelson helper integration site 1; minus strand). Cytogenetic location: 6q23.3.
Variant type: Deletion.
Coding change: c.3109+6630_3109+6641del on transcript NM_001134831.2 (MANE Select); bases 6630 to 6641 of the intron after coding-DNA position 3109, 12 bases deleted (ACAAAATTAACT).
Molecular consequence: intron variant.
Genome position (GRCh38, 1-based): chr6:135,388,135-135,388,146, AGTTAATTTTGT deleted on the plus strand (ACAAAATTAACT on the coding strand, the reverse complement: AHI1 is on the minus strand); deleting any 12 consecutive bases within chr6:135,388,135-135,388,148 gives the same sequence; the c. name uses the placement nearest the transcript's 3' end. VCF-style (leftmost placement, unchanged base first): chr6-135388134-CAGTTAATTTTGT-C. GRCh37 (hg19) VCF-style: chr6-135709272-CAGTTAATTTTGT-C.
Other names: c.3109+6630_3109+6641del (NM_001134830.2, NM_001350503.2, NM_017651.5 and 1 more transcripts); c.3110-113_3110-102del (NM_001134832.2).
Identifiers: ClinVar variation 678308 (VCV000678308.1), dbSNP rs148672318, ClinGen allele CA148540991.

ClinVar aggregate classification (germline): Likely benign (1 of 4 stars; one submission).

Submission:

GeneDx
Classification: Likely benign. Last evaluated: 2018-06-16. Review status: criteria provided, single submitter. Criteria: GeneDx Variant Classification (06012015). Collection method: clinical testing. Allele origin: germline. Affected: yes.
Comment: This variant is considered likely benign or benign based on one or more of the following criteria: it is a conservative change, it occurs at a poorly conserved position in the protein, it is predicted to be benign by multiple in silico algorithms, and/or has population frequency not consistent with disease.